The following is an entry in ClinVar:

NM_000834.5(GRIN2B):c.3118G>A (p.Gly1040Ser)

Gene: GRIN2B (glutamate ionotropic receptor NMDA type subunit 2B; minus strand). Cytogenetic location: 12p13.1.
Variant type: single nucleotide variant.
Coding change: c.3118G>A on transcript NM_000834.5 (MANE Select); coding-DNA position 3118, G replaced by A.
Protein change: p.Gly1040Ser; replaces glycine 1040 with serine.
Molecular consequence: missense variant.
Genome position (GRCh38, 1-based): chr12:13,564,120, C>T on the plus strand (G>A on the coding strand, the complement: GRIN2B is on the minus strand). VCF-style: chr12-13564120-C-T. GRCh37 (hg19) VCF-style: chr12-13717054-C-T.
Other names: short protein forms G1040S.
Identifiers: ClinVar variation 544228 (VCV000544228.14), dbSNP rs202222002, ClinGen allele CA6460944.
Genomic context (GRCh38, chr12:13,564,120, plus strand): 5'-CATCGGAGCGGATCAAGTCGTCGTGGCCACTGTAGCGGTCGCTCTTGAAGGAGAATTTGC[C>T]GTACAGGTCACTGAGCTGGCTGTGCTTGGAGGAGGGGAGGCCGATGTCCAGGGGCTTCTT-3'
Protein context (NP_000825.2, residues 1030-1050): SKHSQLSDLY[Gly1040Ser]KFSFKSDRYS

ClinVar aggregate classification (germline): Uncertain significance. Review status: criteria provided, multiple submitters, no conflicts (2 of 4 stars). 4 submissions from 4 submitters: Uncertain significance (4). Last evaluated 2024-05-06.

Conditions:
Intellectual developmental disorder, autosomal dominant 6, with or without seizures. Also called: Intellectual disability, autosomal dominant 6; GRIN2B-related developmental delay, intellectual disability and autism spectrum disorder. Identifiers: Orphanet 589547, MedGen C3151411, MONDO:0013509, OMIM 613970.
Developmental and epileptic encephalopathy, 27 (DEE27). Also called: Epileptic encephalopathy, early infantile, 27; GRIN2B-Related Neurodevelopmental Disorder. Identifiers: Orphanet 3451, MedGen C4015316, MONDO:0014505, OMIM 616139.

Allele frequency attached by ClinVar (database versions not stated): TOPMed 0.00002; gnomAD 0.00001; ExAC 0.00002; gnomAD exomes 0.00001.
gnomAD v4.1: 22 of 1,614,018 alleles (0.0014%); highest among the groups gnomAD compares: East Asian, 0.013%; no homozygotes.

Submissions (4):

Labcorp Genetics (formerly Invitae), Labcorp
Classification: Uncertain significance for Developmental and epileptic encephalopathy, 27; Intellectual developmental disorder, autosomal dominant 6, with or without seizures. Last evaluated: 2024-05-06. Review status: criteria provided, single submitter. Criteria: Invitae Variant Classification Sherloc (09022015). Collection method: clinical testing. Allele origin: germline.
Comment: This sequence change replaces glycine, which is neutral and non-polar, with serine, which is neutral and polar, at codon 1040 of the GRIN2B protein (p.Gly1040Ser). This variant is present in population databases (rs202222002, gnomAD 0.003%). This missense change has been observed in individual(s) with schizophrenia and autism spectrum disorder (PMID: 27616045). ClinVar contains an entry for this variant (Variation ID: 544228). Advanced modeling of protein sequence and biophysical properties (such as structural, functional, and spatial information, amino acid conservation, physicochemical variation, residue mobility, and thermodynamic stability) has been performed at Invitae for this missense variant, however the output from this modeling did not meet the statistical confidence thresholds required to predict the impact of this variant on GRIN2B protein function. In summary, the available evidence is currently insufficient to determine the role of this variant in disease. Therefore, it has been classified as a Variant of Uncertain Significance.

Department of Pathology and Laboratory Medicine, Sinai Health System
Classification: Uncertain significance for Intellectual developmental disorder, autosomal dominant 6, with or without seizures; Developmental and epileptic encephalopathy, 27. Last evaluated: 2020-05-08. Review status: criteria provided, single submitter. Criteria: ACMG Guidelines, 2015. Collection method: research. Allele origin: germline.

GeneDx
Classification: Uncertain significance. Last evaluated: 2019-04-12. Review status: criteria provided, single submitter. Criteria: GeneDx Variant Classification Process June 2021. Collection method: clinical testing. Allele origin: germline. Affected: yes.
Comment: In silico analysis, which includes protein predictors and evolutionary conservation, supports that this variant does not alter protein structure/function; This variant is associated with the following publications: (PMID: 27616045)

Center for Genomics, Ann and Robert H. Lurie Children's Hospital of Chicago
Classification: Uncertain significance for Developmental and epileptic encephalopathy, 27; Intellectual developmental disorder, autosomal dominant 6, with or without seizures. Review status: criteria provided, single submitter. Criteria: ACMG Guidelines, 2015. Collection method: clinical testing. Allele origin: germline.
Comment: GRIN2B NM_000834 exon 13 p.Gly1040Ser (c.3118G>A): This variant has not been reported in the literature but is present in 3/246194 individuals of different ethnicities in the Genome Aggregation Database. Evolutionary conservation and computational predictive tools suggest that this variant may impact the protein. In summary, data on this variant is insufficient for disease classification. Therefore, the clinical significance of this variant is uncertain.

Literature cited by the submitters: PubMed 27616045 (cited by Labcorp Genetics (formerly Invitae), Labcorp).